The following is an entry in ClinVar:

NM_003839.4(TNFRSF11A):c.1585_1590del (p.528NS[1])

Gene: TNFRSF11A (TNF receptor superfamily member 11a; plus strand). Cytogenetic location: 18q21.33.
Variant type: Deletion.
Coding change: c.1585_1590del on transcript NM_003839.4 (MANE Select); coding-DNA positions 1585 to 1590, 6 bases deleted (AGTAAC; older notation c.1585_1590delAGTAAC).
Protein change: p.528NS[1].
Molecular consequence: inframe deletion. On other transcripts: 3 prime UTR variant (1).
Genome position (GRCh38, 1-based): chr18:62,384,768-62,384,773, AGTAAC deleted; deleting any 6 consecutive bases within chr18:62,384,765-62,384,773 gives the same sequence; the c. name uses the placement nearest the transcript's 3' end. VCF-style (leftmost placement, unchanged base first): chr18-62384764-AAACAGT-A. GRCh37 (hg19) VCF-style: chr18-60051997-AAACAGT-A.
Other names: c.*9_*14del (NM_001270949.2); c.748_753del, p.249NS[1] (NM_001270950.2); c.634_639del, p.211NS[1] (NM_001270951.2); c.1543_1548del, p.514NS[1] (NM_001278268.2).
Identifiers: ClinVar variation 1898939 (VCV001898939.5), dbSNP rs1911568388, ClinGen allele CA2308296015.

ClinVar aggregate classification (germline): Uncertain significance (1 of 4 stars; one submission).

Submission:

Labcorp Genetics (formerly Invitae), Labcorp
Classification: Uncertain significance. Last evaluated: 2022-04-12. Review status: criteria provided, single submitter. Criteria: Invitae Variant Classification Sherloc (09022015). Collection method: clinical testing. Allele origin: germline.
Comment: In summary, the available evidence is currently insufficient to determine the role of this variant in disease. Therefore, it has been classified as a Variant of Uncertain Significance. Experimental studies and prediction algorithms are not available or were not evaluated, and the functional significance of this variant is currently unknown. This variant has not been reported in the literature in individuals affected with TNFRSF11A-related conditions. This variant is not present in population databases (gnomAD no frequency). This variant, c.1585_1590del, results in the deletion of 2 amino acid(s) of the TNFRSF11A protein (p.Asn530_Ser531del), but otherwise preserves the integrity of the reading frame.